The following is an entry in ClinVar:

ClinVar aggregate classification (germline): Uncertain significance (1 of 4 stars; one submission).

Allele frequency attached by ClinVar (database versions not stated): gnomAD exomes below 0.00001; ExAC 0.00001.
gnomAD v4.1: 1 of 1,614,136 alleles (0.000062%); highest among the groups gnomAD compares: South Asian, 0.0011%; no homozygotes.

Submission:

Labcorp Genetics (formerly Invitae), Labcorp
Classification: Uncertain significance. Last evaluated: 2020-12-19. Review status: criteria provided, single submitter. Criteria: Invitae Variant Classification Sherloc (09022015). Collection method: clinical testing. Allele origin: germline.
Comment: In summary, the available evidence is currently insufficient to determine the role of this variant in disease. Therefore, it has been classified as a Variant of Uncertain Significance. This variant is present in population databases (rs771754782, ExAC 0.006%). Algorithms developed to predict the effect of missense changes on protein structure and function are either unavailable or do not agree on the potential impact of this missense change (SIFT: "Deleterious"; PolyPhen-2: "Benign"; Align-GVGD: "Class C25"). This variant has not been reported in the literature in individuals with LRP5-related conditions. This sequence change replaces glutamic acid with glutamine at codon 384 of the LRP5 protein (p.Glu384Gln). The glutamic acid residue is highly conserved and there is a small physicochemical difference between glutamic acid and glutamine.

NM_002335.4(LRP5):c.1150G>C (p.Glu384Gln)

Gene: LRP5 (LDL receptor related protein 5; plus strand). Cytogenetic location: 11q13.2.
Variant type: single nucleotide variant.
Coding change: c.1150G>C on transcript NM_002335.4 (MANE Select); coding-DNA position 1150, G replaced by C.
Protein change: p.Glu384Gln; replaces glutamic acid 384 with glutamine.
Molecular consequence: missense variant. On other transcripts: 5 prime UTR variant (1).
Genome position (GRCh38, 1-based): chr11:68,386,450, G>C. VCF-style: chr11-68386450-G-C. GRCh37 (hg19) VCF-style: chr11-68153918-G-C.
Other names: c.-616G>C (NM_001291902.2); short protein forms E384Q.
Identifiers: ClinVar variation 1495033 (VCV001495033.8), dbSNP rs771754782, ClinGen allele CA6149261.